The following is an entry in ClinVar:

ClinVar aggregate classification (germline): Pathogenic (1 of 4 stars; one submission).

Conditions:
Neurofibromatosis, type 2 (SWNV). Also called: BILATERAL ACOUSTIC NEUROFIBROMATOSIS; SCHWANNOMATOSIS, VESTIBULAR; NF2-Related Schwannomatosis. Identifiers: Orphanet 637, MedGen C0027832, MONDO:0007039, OMIM 101000. Disease mechanism: loss of function.

Submission:

Labcorp Genetics (formerly Invitae), Labcorp
Classification: Pathogenic for Neurofibromatosis, type 2. Last evaluated: 2024-09-04. Review status: criteria provided, single submitter. Criteria: Invitae Variant Classification Sherloc (09022015). Collection method: clinical testing. Allele origin: germline.
Comment: This sequence change creates a premature translational stop signal (p.Cys300Metfs*6) in the NF2 gene. It is expected to result in an absent or disrupted protein product. Loss-of-function variants in NF2 are known to be pathogenic (PMID: 9643284, 16983642). This variant is not present in population databases (gnomAD no frequency). This variant has not been reported in the literature in individuals affected with NF2-related conditions. For these reasons, this variant has been classified as Pathogenic.

Literature cited by the submitters: PubMed 9643284; PubMed 16983642.

NM_000268.4(NF2):c.897dup (p.Cys300fs)

Gene: NF2 (NF2, moesin-ezrin-radixin like (MERLIN) tumor suppressor; plus strand). Cytogenetic location: 22q12.2.
Variant type: Duplication.
Coding change: c.897dup on transcript NM_000268.4 (MANE Select); coding-DNA position 897, one base duplicated (A; older notation c.897dupA).
Protein change: p.Cys300fs; shifts the reading frame from cysteine 300.
Molecular consequence: frameshift variant. On other transcripts: non-coding transcript variant (1), intron variant (1).
Genome position (GRCh38, 1-based): chr22:29,668,344, A duplicated. VCF-style (leftmost placement, unchanged base first): chr22-29668343-T-TA. GRCh37 (hg19) VCF-style: chr22-30064332-T-TA.
Other names: c.783dup, p.Cys262fs (NM_001407053.1, NM_001407056.1); c.774dup, p.Cys259fs (NM_001407054.1, NM_001407058.1, NM_181829.3); c.771dup, p.Cys258fs (NM_001407055.1, NM_181828.3); c.762dup, p.Cys255fs (NM_001407057.1, NM_001407059.1); c.897dup, p.Cys300fs (NM_001407060.1, NM_001407066.1, NM_016418.5 and 2 more transcripts); c.639dup, p.Cys214fs (NM_001407062.1); c.648dup, p.Cys217fs (NM_001407063.1, NM_001407064.1, NM_181830.3 and 1 more transcripts); c.363dup, p.Cys122fs (NM_001407065.1); and 2 more; short protein forms C262fs, C122fs, C255fs, C223fs, C300fs, C214fs, C217fs, C258fs.
Identifiers: ClinVar variation 3664450 (VCV003664450.2).